The following is an entry in ClinVar:

ClinVar aggregate classification (germline): Conflicting classifications of pathogenicity. Review status: criteria provided, conflicting classifications (1 of 4 stars). 2 submissions from 2 submitters: Uncertain significance (1); Likely benign (1). Last evaluated 2026-03-13.

Allele frequency attached by ClinVar (database versions not stated): gnomAD exomes 0.00002 and 0.00003; ExAC 0.00004; gnomAD 0.00004 and 0.00005; TOPMed 0.00005.
gnomAD v4.1: 35 of 1,613,426 alleles (0.0022%); highest among the groups gnomAD compares: Admixed American, 0.0033%; no homozygotes.

Submissions (3):

GeneDx
Classification: Uncertain significance. Last evaluated: 2026-03-13. Review status: criteria provided, single submitter. Criteria: GeneDx Variant Classification Process June 2021. Collection method: clinical testing. Allele origin: germline.
Comment: Not observed at significant frequency in large population cohorts (gnomAD); In silico analysis suggests that this missense variant does not alter protein structure/function; Has not been previously published as pathogenic or benign to our knowledge; Reported using an alternate transcript of the gene

Labcorp Genetics (formerly Invitae), Labcorp
Classification: Likely benign. Last evaluated: 2018-05-30. Review status: criteria provided, single submitter. Criteria: Invitae Variant Classification Sherloc (09022015). Collection method: clinical testing. Allele origin: germline.

Dr. Peter K. Rogan Lab, Western University
No classification provided (evidence only). Condition: Ovarian serous cystadenocarcinoma. Review status: no classification provided. Collection method: in vitro. Allele origin: not applicable. Functional consequence: retained intron. Not counted in ClinVar's aggregate classification.

NM_153676.4(USH1C):c.1472A>G (p.Glu491Gly)

Gene: USH1C (USH1 protein network component harmonin; minus strand). Cytogenetic location: 11p15.1.
Variant type: single nucleotide variant.
Coding change: c.1472A>G on transcript NM_153676.4 (MANE Select); coding-DNA position 1472, A replaced by G.
Protein change: p.Glu491Gly; replaces glutamic acid 491 with glycine.
Molecular consequence: missense variant. On other transcripts: intron variant (2).
Genome position (GRCh38, 1-based): chr11:17,510,463, T>C on the plus strand (A>G on the coding strand, the complement: USH1C is on the minus strand). VCF-style: chr11-17510463-T-C. GRCh37 (hg19) VCF-style: chr11-17532010-T-C.
Other names: NC_000011.9:g.17532010T>C; c.1227+6938A>G (NM_001297764.2); c.1284+6938A>G (NM_005709.4); short protein forms E491G.
Identifiers: ClinVar variation 745085 (VCV000745085.5), dbSNP rs752030009, ClinGen allele CA5904543.
Genomic context (GRCh38, chr11:17,510,463, plus strand): 5'-ACCTCTGAAATCTCATTATCAGCAGAGGAAATCTGCTCGAGGCGCGTTTGACAGAGCCTC[T>C]CCACCCAATATTGAATCTTTTCCGATTCTTCAAGGTCTTCCCGCTCTGTCTCAGACACCT-3'
Protein context (NP_710142.1, residues 481-501): EESEKIQYWV[Glu491Gly]RLCQTRLEQI